The following is an entry in ClinVar:

NM_199334.5(THRA):c.518A>G (p.Glu173Gly)

Gene: THRA (thyroid hormone receptor alpha; plus strand). Cytogenetic location: 17q21.1.
Variant type: single nucleotide variant.
Coding change: c.518A>G on transcript NM_199334.5 (MANE Select); coding-DNA position 518, A replaced by G.
Protein change: p.Glu173Gly; replaces glutamic acid 173 with glycine.
Molecular consequence: missense variant.
Genome position (GRCh38, 1-based): chr17:40,084,757, A>G. VCF-style: chr17-40084757-A-G. GRCh37 (hg19) VCF-style: chr17-38241010-A-G.
Other names: c.518A>G, p.Glu173Gly (NM_001190918.2, NM_001190919.2, NM_003250.6); short protein forms E173G.
Identifiers: ClinVar variation 992628 (VCV000992628.3), dbSNP rs1987264133, ClinGen allele CA399270384.

ClinVar aggregate classification (germline): Likely pathogenic (1 of 4 stars; one submission).

Conditions:
Congenital nongoitrous hypothyroidism 6. Also called: Congenital nongoitrous hypothryoidism 6. Identifiers: Orphanet 97927, MedGen C3280817, MONDO:0013757, OMIM 614450.

Allele frequency attached by ClinVar (database versions not stated): gnomAD exomes 0.00001.

Submission:

Charité Universitätsmedizin Berlin, Charite Universitaetsmedizin Berlin
Classification: Likely pathogenic for Congenital nongoitrous hypothyroidism 6. Last evaluated: 2020-12-01. Review status: criteria provided, single submitter. Criteria: ACMG Guidelines, 2015. Collection method: clinical testing. Allele origin: paternal. Inheritance: Autosomal dominant inheritance. Affected: yes.
Comment: The described THRA variant fulfills the PM2 criteria of the American College of Medical Genetics and Genomics classification (Richards et al. 2015) placing it in the 'likely pathogenic' category.